The following is an entry in ClinVar:

ClinVar aggregate classification (germline): Uncertain significance (1 of 4 stars; one submission).

Conditions:
ASH1L-related disorder. Also called: ASH1L-related condition.

Submission:

PreventionGenetics, part of Exact Sciences
Classification: Uncertain significance for ASH1L-related condition. Last evaluated: 2025-03-07. Review status: criteria provided, single submitter. Criteria: ACMG Guidelines, 2015. Collection method: clinical testing. Allele origin: germline.
Comment: The ASH1L c.5026G>A variant is predicted to result in the amino acid substitution p.Glu1676Lys. To our knowledge, this variant has not been reported in the literature or in a large population database (gnomAD), indicating this variant is rare. At this time, the clinical significance of this variant is uncertain due to the absence of conclusive functional and genetic evidence.

NM_018489.3(ASH1L):c.5026G>A (p.Glu1676Lys)

Gene: ASH1L (ASH1 like histone lysine methyltransferase; minus strand). Cytogenetic location: 1q22.
Variant type: single nucleotide variant.
Coding change: c.5026G>A on transcript NM_018489.3 (MANE Select); coding-DNA position 5026, G replaced by A.
Protein change: p.Glu1676Lys; replaces glutamic acid 1676 with lysine.
Molecular consequence: missense variant.
Genome position (GRCh38, 1-based): chr1:155,459,857, C>T on the plus strand (G>A on the coding strand, the complement: ASH1L is on the minus strand). VCF-style: chr1-155459857-C-T. GRCh37 (hg19) VCF-style: chr1-155429648-C-T.
Other names: c.5026G>A, p.Glu1676Lys (NM_001366177.2); short protein forms E1676K.
Identifiers: ClinVar variation 5001099 (VCV005001099.1).